The following is an entry in ClinVar:

NM_001367823.1(ARHGEF18):c.2621C>T (p.Ser874Leu)

Gene: ARHGEF18 (Rho/Rac guanine nucleotide exchange factor 18; plus strand). Cytogenetic location: 19p13.2.
Variant type: single nucleotide variant.
Coding change: c.2621C>T on transcript NM_001367823.1 (MANE Select); coding-DNA position 2621, C replaced by T.
Protein change: p.Ser874Leu; replaces serine 874 with leucine.
Molecular consequence: missense variant.
Genome position (GRCh38, 1-based): chr19:7,462,320, C>T. VCF-style: chr19-7462320-C-T. GRCh37 (hg19) VCF-style: chr19-7527206-C-T.
Other names: c.1895C>T, p.Ser632Leu (NM_001130955.2); c.1583C>T, p.Ser528Leu (NM_001367824.1, NM_015318.4); short protein forms S874L, S528L, S632L.
Identifiers: ClinVar variation 1044268 (VCV001044268.8), dbSNP rs919074382, ClinGen allele CA304853832.
Genomic context (GRCh38, chr19:7,462,320, plus strand): 5'-GAGGCCTATTCCGTGGAGGGGACCCATCCGAGACCCTGCAGGGGGAGCTAATTCTCAAGT[C>T]GGCCATGAGCGAGAGTAAGTTGGCTGCCCACACCTCAAGGGTGCAGTCTTGCCGGGGTGG-3'
Protein context (NP_001354752.1, residues 864-884): ETLQGELILK[Ser874Leu]AMSEIEGIQS

ClinVar aggregate classification (germline): Uncertain significance. Review status: criteria provided, multiple submitters, no conflicts (2 of 4 stars). 2 submissions from 2 submitters: Uncertain significance (2). Last evaluated 2023-11-20.

Allele frequency attached by ClinVar (database versions not stated): gnomAD exomes below 0.00001 and 0.00001; gnomAD 0.00001 and 0.00003; TOPMed 0.00002.
gnomAD v4.1: 12 of 1,594,754 alleles (0.00075%); highest among the groups gnomAD compares: South Asian, 0.0068%; no homozygotes.

Submissions (2):

Labcorp Genetics (formerly Invitae), Labcorp
Classification: Uncertain significance. Last evaluated: 2023-11-20. Review status: criteria provided, single submitter. Criteria: Invitae Variant Classification Sherloc (09022015). Collection method: clinical testing. Allele origin: germline.
Comment: This sequence change replaces serine, which is neutral and polar, with leucine, which is neutral and non-polar, at codon 686 of the ARHGEF18 protein (p.Ser686Leu). This variant is present in population databases (no rsID available, gnomAD 0.004%). This variant has not been reported in the literature in individuals affected with ARHGEF18-related conditions. ClinVar contains an entry for this variant (Variation ID: 1044268). An algorithm developed to predict the effect of missense changes on protein structure and function (PolyPhen-2) suggests that this variant¬†is likely to be tolerated. In summary, the available evidence is currently insufficient to determine the role of this variant in disease. Therefore, it has been classified as a Variant of Uncertain Significance.

Blueprint Genetics
Classification: Uncertain significance. Last evaluated: 2020-07-06. Review status: criteria provided, single submitter. Criteria: ACMG Guidelines, 2015. Collection method: clinical testing. Allele origin: germline.